The following is an entry in ClinVar:

NM_001004334.4(GPR179):c.2639C>A (p.Ala880Asp)

Gene: GPR179 (G protein-coupled receptor 179; minus strand). Cytogenetic location: 17q12.
Variant type: single nucleotide variant.
Coding change: c.2639C>A on transcript NM_001004334.4 (MANE Select); coding-DNA position 2639, C replaced by A.
Protein change: p.Ala880Asp; replaces alanine 880 with aspartic acid.
Molecular consequence: missense variant.
Genome position (GRCh38, 1-based): chr17:38,330,930, G>T on the plus strand (C>A on the coding strand, the complement: GPR179 is on the minus strand). VCF-style: chr17-38330930-G-T. GRCh37 (hg19) VCF-style: chr17-36486813-G-T.
Other names: short protein forms A880D.
Identifiers: ClinVar variation 1514043 (VCV001514043.7), dbSNP rs201385151, ClinGen allele CA290105665.

ClinVar aggregate classification (germline): Uncertain significance. Review status: criteria provided, multiple submitters, no conflicts (2 of 4 stars). 2 submissions from 2 submitters: Uncertain significance (2). Last evaluated 2025-07-31.

Allele frequency attached by ClinVar (database versions not stated): gnomAD exomes 0.00004 and 0.00010; ExAC 0.00018; gnomAD 0.00037 and 0.00041; TOPMed 0.00045; ESP Exome Variant Server 0.00080.
gnomAD v4.1: 122 of 1,609,056 alleles (0.0076%); highest among the groups gnomAD compares: African/African-American, 0.14%; no homozygotes.

Submissions (2):

Labcorp Genetics (formerly Invitae), Labcorp
Classification: Uncertain significance. Last evaluated: 2025-07-31. Review status: criteria provided, single submitter. Criteria: Invitae Variant Classification Sherloc (09022015). Collection method: clinical testing. Allele origin: germline.
Comment: This sequence change replaces alanine, which is neutral and non-polar, with aspartic acid, which is acidic and polar, at codon 880 of the GPR179 protein (p.Ala880Asp). This variant is present in population databases (rs201385151, gnomAD 0.1%). This variant has not been reported in the literature in individuals affected with GPR179-related conditions. ClinVar contains an entry for this variant (Variation ID: 1514043). An algorithm developed to predict the effect of missense changes on protein structure and function (PolyPhen-2) suggests that this variant is likely to be disruptive. In summary, the available evidence is currently insufficient to determine the role of this variant in disease. Therefore, it has been classified as a Variant of Uncertain Significance.

Blueprint Genetics
Classification: Uncertain significance. Last evaluated: 2022-12-23. Review status: criteria provided, single submitter. Criteria: ACMG Guidelines, 2015. Collection method: clinical testing. Allele origin: germline.